The following is an entry in ClinVar:

ClinVar aggregate classification (germline): Uncertain significance. Review status: criteria provided, multiple submitters, no conflicts (2 of 4 stars). 2 submissions from 2 submitters: Uncertain significance (2). Last evaluated 2019-01-26.

Conditions:
Primary ciliary dyskinesia 23 (CILD23). Also called: CILIARY DYSKINESIA, PRIMARY, 23, WITH OR WITHOUT SITUS INVERSUS. Identifiers: Orphanet 244, MedGen C3809548, MONDO:0014193, OMIM 615451.
Primary ciliary dyskinesia. Also called: Ciliary dyskinesia. Identifiers: Orphanet 244, MedGen C0008780, MONDO:0016575, HP:0012265.

Allele frequency attached by ClinVar (database versions not stated): ExAC 0.00001; gnomAD exomes 0.00001.
gnomAD v4.1: 12 of 1,598,902 alleles (0.00075%); highest among the groups gnomAD compares: Non-Finnish European, 0.00094%; no homozygotes.

Submissions (2):

Labcorp Genetics (formerly Invitae), Labcorp
Classification: Uncertain significance for Primary ciliary dyskinesia 23. Last evaluated: 2019-01-26. Review status: criteria provided, single submitter. Criteria: Invitae Variant Classification Sherloc (09022015). Collection method: clinical testing. Allele origin: germline.
Comment: This variant is present in population databases (rs765376476, ExAC 0.002%). In summary, the available evidence is currently insufficient to determine the role of this variant in disease. Therefore, it has been classified as a Variant of Uncertain Significance. Algorithms developed to predict the effect of sequence changes on RNA splicing suggest that this variant may disrupt the consensus splice site, but this prediction has not been confirmed by published transcriptional studies. Algorithms developed to predict the effect of missense changes on protein structure and function (SIFT, PolyPhen-2, Align-GVGD) all suggest that this variant is likely to be tolerated, but these predictions have not been confirmed by published functional studies and their clinical significance is uncertain. This variant has not been reported in the literature in individuals with ARMC4-related conditions. This sequence change replaces glutamic acid with lysine at codon 663 of the ARMC4 protein (p.Glu663Lys). The glutamic acid residue is weakly conserved and there is a small physicochemical difference between glutamic acid and lysine.

Ambry Genetics
Classification: Uncertain significance for Primary ciliary dyskinesia. Last evaluated: 2017-06-27. Review status: criteria provided, single submitter. Criteria: Ambry Variant Classification Scheme 2023. Collection method: clinical testing. Allele origin: germline.
Comment: The p.E663K variant (also known as c.1987G>A) is located in coding exon 13 of the ARMC4 gene. The glutamic acid at codon 663 is replaced by lysine, an amino acid with similar properties. This change occurs in the first base pair of coding exon 13. This amino acid position is not well conserved in available vertebrate species, and lysine is the reference amino acid in other vertebrate species. In addition, the in silico prediction for this alteration is inconclusive. Since supporting evidence is limited at this time, the clinical significance of this alteration remains unclear.

NM_018076.5(ODAD2):c.1987G>A (p.Glu663Lys)

Gene: ODAD2 (outer dynein arm docking complex subunit 2; minus strand). Cytogenetic location: 10p12.1.
Variant type: single nucleotide variant.
Coding change: c.1987G>A on transcript NM_018076.5 (MANE Select); coding-DNA position 1987, G replaced by A.
Protein change: p.Glu663Lys; replaces glutamic acid 663 with lysine.
Molecular consequence: missense variant.
Genome position (GRCh38, 1-based): chr10:27,940,007, C>T on the plus strand (G>A on the coding strand, the complement: ODAD2 is on the minus strand). VCF-style: chr10-27940007-C-T. GRCh37 (hg19) VCF-style: chr10-28228936-C-T.
Other names: c.1987G>A, p.Glu663Lys (NM_001290020.2); c.562G>A, p.Glu188Lys (NM_001290021.2); c.1063G>A, p.Glu355Lys (NM_001312689.2); short protein forms E355K, E663K, E188K.
Identifiers: ClinVar variation 845648 (VCV000845648.12), dbSNP rs765376476, ClinGen allele CA5453333.